The following is an entry in ClinVar:

NM_020778.5(ALPK3):c.3354G>A (p.Ala1118=)

Gene: ALPK3 (alpha kinase 3; plus strand). Cytogenetic location: 15q25.3.
Variant type: single nucleotide variant.
Coding change: c.3354G>A on transcript NM_020778.5 (MANE Select); coding-DNA position 3354, G replaced by A.
Protein change: p.Ala1118=; no amino-acid change (alanine 1118 retained).
Molecular consequence: synonymous variant.
Genome position (GRCh38, 1-based): chr15:84,858,092, G>A. VCF-style: chr15-84858092-G-A. GRCh37 (hg19) VCF-style: chr15-85401323-G-A.
Identifiers: ClinVar variation 512062 (VCV000512062.39), dbSNP rs375245603, ClinGen allele CA7709608.
Genomic context (GRCh38, chr15:84,858,092, plus strand): 5'-GGGGCCTGGCCTCCTGGGGGCCTCTCAGGAGAGCAGCATGGCTGGTCGACTGGGGGAGGC[G>A]GGTGGGCAGGCAGCCCCTGGACAGGGGCCCTCAGCAGAGAGCATAGCCCAGGAGCCCTCC-3'
Protein context (NP_065829.4, residues 1108-1128): ESSMAGRLGE[Ala1118=]GGQAAPGQGP

ClinVar aggregate classification (germline): Likely benign. Review status: criteria provided, multiple submitters, no conflicts (2 of 4 stars). 7 submissions from 7 submitters: Likely benign (6). 1 of the submissions does not count toward it. Last evaluated 2025-12-16.

Conditions:
ALPK3-related disorder. Also called: ALPK3-related condition.
Cardiovascular phenotype. Identifiers: MedGen CN230736.

Allele frequency attached by ClinVar (database versions not stated): ESP Exome Variant Server 0.00016; gnomAD exomes 0.00019 and 0.00020; TOPMed 0.00023; ExAC 0.00026; gnomAD 0.00027.
gnomAD v4.1: 314 of 1,568,304 alleles (0.02%); highest among the groups gnomAD compares: Non-Finnish European, 0.022%; 1 homozygote.

Submissions (7):

Labcorp Genetics (formerly Invitae), Labcorp
Classification: Likely benign. Last evaluated: 2025-12-16. Review status: criteria provided, single submitter. Criteria: Invitae Variant Classification Sherloc (09022015). Collection method: clinical testing. Allele origin: germline.

Laboratory of Genetics, Children's Clinical University Hospital Latvia
Classification: Likely benign. Last evaluated: 2025-02-16. Review status: criteria provided, single submitter. Criteria: ACMG Guidelines, 2015. Collection method: clinical testing. Allele origin: germline. Affected: yes.

Blueprint Genetics
Classification: Likely benign. Last evaluated: 2024-10-24. Review status: criteria provided, single submitter. Criteria: ACMG Guidelines, 2015. Collection method: clinical testing. Allele origin: germline.

CeGaT Center for Human Genetics Tuebingen
Classification: Likely benign. Last evaluated: 2022-06-01. Review status: criteria provided, single submitter. Criteria: CeGaT Center For Human Genetics Tuebingen Variant Classification Criteria Version 2. Collection method: clinical testing. Allele origin: germline. Affected: yes. Observed: 1 variant allele.
Comment: ALPK3: BP4, BP7

GeneDx
Classification: Likely benign. Last evaluated: 2021-04-22. Review status: criteria provided, single submitter. Criteria: GeneDx Variant Classification Process June 2021. Collection method: clinical testing. Allele origin: germline. Affected: yes.

Ambry Genetics
Classification: Likely benign for Cardiovascular phenotype. Last evaluated: 2019-06-17. Review status: criteria provided, single submitter. Criteria: Ambry Variant Classification Scheme 2023. Collection method: clinical testing. Allele origin: germline.

PreventionGenetics, part of Exact Sciences
Classification: Likely benign for ALPK3-related condition. Last evaluated: 2020-11-02. Review status: no assertion criteria provided. Collection method: clinical testing. Allele origin: germline. Not counted in ClinVar's aggregate classification.
Comment: This variant is classified as likely benign based on ACMG/AMP sequence variant interpretation guidelines (Richards et al. 2015 PMID: 25741868, with internal and published modifications).